The following is an entry in ClinVar:

ClinVar aggregate classification (germline): Uncertain significance (1 of 4 stars; one submission).

Conditions:
Menkes kinky-hair syndrome (MNK). Also called: Copper transport disease; Menkes Disease; Classic Menkes Disease. Identifiers: Orphanet 565, MedGen C0022716, MONDO:0010651, OMIM 309400.
Cutis laxa, X-linked (OHS). Also called: EDS IX; Occipital horn syndrome. Identifiers: Orphanet 198, MedGen C0268353, MONDO:0010572, OMIM 304150.
X-linked distal spinal muscular atrophy type 3. Also called: ATP7A-Related Distal Motor Neuropathy; SPINAL MUSCULAR ATROPHY, DISTAL, X-LINKED RECESSIVE; NEURONOPATHY, DISTAL HEREDITARY MOTOR, X-LINKED; NEUROPATHY, DISTAL HEREDITARY MOTOR, X-LINKED. Identifiers: Orphanet 139557, MedGen C1845359, MONDO:0010338, OMIM 300489.

Submission:

Labcorp Genetics (formerly Invitae), Labcorp
Classification: Uncertain significance for X-linked distal spinal muscular atrophy type 3; Cutis laxa, X-linked; Menkes kinky-hair syndrome. Last evaluated: 2026-02-03. Review status: criteria provided, single submitter. Criteria: Invitae Variant Classification Sherloc (09022015). Collection method: clinical testing. Allele origin: germline.
Comment: This sequence change replaces proline, which is neutral and non-polar, with serine, which is neutral and polar, at codon 131 of the ATP7A protein (p.Pro131Ser). This variant is not present in population databases (gnomAD no frequency). This variant has not been reported in the literature in individuals affected with ATP7A-related conditions. ClinVar contains an entry for this variant (Variation ID: 2938952). Invitae Evidence Modeling of protein sequence and biophysical properties (such as structural, functional, and spatial information, amino acid conservation, physicochemical variation, residue mobility, and thermodynamic stability) indicates that this missense variant is not expected to disrupt ATP7A protein function with a negative predictive value of 95%. In summary, the available evidence is currently insufficient to determine the role of this variant in disease. Therefore, it has been classified as a Variant of Uncertain Significance.

NM_000052.7(ATP7A):c.391C>T (p.Pro131Ser)

Gene: ATP7A (ATPase copper transporting alpha; plus strand). Cytogenetic location: Xq21.1.
Variant type: single nucleotide variant.
Coding change: c.391C>T on transcript NM_000052.7 (MANE Select); coding-DNA position 391, C replaced by T.
Protein change: p.Pro131Ser; replaces proline 131 with serine.
Molecular consequence: missense variant.
Genome position (GRCh38, 1-based): chrX:77,988,512, C>T. VCF-style: chrX-77988512-C-T. GRCh37 (hg19) VCF-style: chrX-77244008-C-T.
Other names: c.391C>T, p.Pro131Ser (NM_001282224.2); short protein forms P131S.
Identifiers: ClinVar variation 2938952 (VCV002938952.3), dbSNP rs2522289909, ClinGen allele CA413599705.